The following is an entry in ClinVar:

NM_000138.5(FBN1):c.862+3A>G

Gene: FBN1 (fibrillin 1; minus strand). Cytogenetic location: 15q21.1.
Variant type: single nucleotide variant.
Coding change: c.862+3A>G on transcript NM_000138.5 (MANE Select); 3 bases into the intron after coding-DNA position 862, A replaced by G.
Molecular consequence: intron variant.
Genome position (GRCh38, 1-based): chr15:48,534,077, T>C on the plus strand (A>G on the coding strand, the complement: FBN1 is on the minus strand). VCF-style: chr15-48534077-T-C. GRCh37 (hg19) VCF-style: chr15-48826274-T-C.
Identifiers: ClinVar variation 549471 (VCV000549471.6), dbSNP rs1555401453, ClinGen allele CA658824883.

ClinVar aggregate classification (germline): Uncertain significance. Review status: criteria provided, multiple submitters, no conflicts (2 of 4 stars). 5 submissions from 5 submitters: Uncertain significance (4). 1 of the submissions does not count toward it. Last evaluated 2026-01-12.

Conditions:
MASS syndrome (OCTD). Also called: OVERLAP CONNECTIVE TISSUE DISEASE; MASS PHENOTYPE. Identifiers: MedGen C1858556, MONDO:0011431, OMIM 604308.
Progeroid and marfanoid aspect-lipodystrophy syndrome. Also called: MARFANOID-PROGEROID SYNDROME; MARFAN-PROGEROID-LIPODYSTROPHY SYNDROME; Marfan lipodystrophy syndrome; MARFANOID-PROGEROID-LIPODYSTROPHY SYNDROME. Identifiers: Orphanet 300382, MedGen C4310796, MONDO:0014831, OMIM 616914.
Ectopia lentis 1, isolated, autosomal dominant (ECTOL1). Identifiers: Orphanet 1885, MedGen C3541518, MONDO:0007514, OMIM 129600.
Weill-Marchesani syndrome 2, dominant. Also called: Weill-Marchesani Syndrome, Autosomal Dominant; FBN1-Related Weill-Marchesani Syndrome. Identifiers: Orphanet 2084, MedGen C1869115, MONDO:0012013, OMIM 608328.
Acromicric dysplasia (ACMICD). Also called: Acromicric skeletal dysplasia. Identifiers: Orphanet 969, MedGen C0265287, MONDO:0007055, OMIM 102370.
Geleophysic dysplasia 2 (GPHYSD2). Identifiers: Orphanet 2623, MedGen C3280054, MONDO:0013612, OMIM 614185.
Stiff skin syndrome (SSKS). Identifiers: Orphanet 2833, MedGen C1861456, MONDO:0008492, OMIM 184900.
Marfan syndrome (MFS). Also called: Marfan syndrome type 1; Marfan syndrome, classic; Marfan's syndrome; FBN1-Related Marfan Syndrome; MARFAN SYNDROME, TYPE I. Identifiers: Orphanet 284963, Orphanet 558, MedGen C0024796, MONDO:0007947, OMIM 154700.
Familial thoracic aortic aneurysm and aortic dissection (TAAD). Also called: Thoracic aortic aneurysms and dissections. Identifiers: Orphanet 91387, MedGen C4707243, MONDO:0019625.

Allele frequency attached by ClinVar (database versions not stated): TOPMed below 0.00001; gnomAD 0.00001; gnomAD exomes below 0.00001.
gnomAD v4.1: 2 of 1,612,210 alleles (0.00012%); highest among the groups gnomAD compares: African/African-American, 0.0027%; no homozygotes.

Submissions (5):

Ambry Genetics
Classification: Uncertain significance for Familial thoracic aortic aneurysm and aortic dissection. Last evaluated: 2026-01-12. Review status: criteria provided, single submitter. Criteria: Ambry Variant Classification Scheme 2023. Collection method: clinical testing. Allele origin: germline.
Comment: The c.862+3A>G intronic variant results from an A to G substitution 3 nucleotides after coding exon 7 in the FBN1 gene. This nucleotide position is well conserved in available vertebrate species. In silico splice site analysis predicts that this alteration will not have any significant effect on splicing. Based on the available evidence, the clinical significance of this variant remains unclear.

Labcorp Genetics (formerly Invitae), Labcorp
Classification: Uncertain significance for Marfan syndrome; Familial thoracic aortic aneurysm and aortic dissection. Last evaluated: 2025-06-22. Review status: criteria provided, single submitter. Criteria: Invitae Variant Classification Sherloc (09022015). Collection method: clinical testing. Allele origin: germline.
Comment: This sequence change falls in intron 8 of the FBN1 gene. It does not directly change the encoded amino acid sequence of the FBN1 protein. It affects a nucleotide within the consensus splice site. This variant is not present in population databases (gnomAD no frequency). This variant has not been reported in the literature in individuals affected with FBN1-related conditions. ClinVar contains an entry for this variant (Variation ID: 549471). Variants that disrupt the consensus splice site are a relatively common cause of aberrant splicing (PMID: 17576681, 9536098). Algorithms developed to predict the effect of sequence changes on RNA splicing suggest that this variant is not likely to affect RNA splicing. In summary, the available evidence is currently insufficient to determine the role of this variant in disease. Therefore, it has been classified as a Variant of Uncertain Significance.

All of Us Research Program, National Institutes of Health
Classification: Uncertain significance for Marfan syndrome. Last evaluated: 2023-12-13. Review status: criteria provided, single submitter. Criteria: ACMG Guidelines, 2015. Collection method: clinical testing. Allele origin: germline. Inheritance: Autosomal dominant inheritance. Observed: 1 variant allele, 1 heterozygote.
Comment: This variant causes an A to G nucleotide substitution at the +3 position of intron 8 of the FBN1 gene. To our knowledge, functional studies have not been reported for this variant. This variant has not been reported in individuals affected with FBN1-related disorders in the literature. This variant has not been identified in the general population by the Genome Aggregation Database (gnomAD). The available evidence is insufficient to determine the role of this variant in disease conclusively. Therefore, this variant is classified as a Variant of Uncertain Significance.

This study involves interpretation of variants in research participants for the purpose of population health screening. Participant phenotype was not available at the time of variant classification. Additional details can be found in publication PMID: 35346344, PMCID: PMC8962531

Fulgent Genetics
Classification: Uncertain significance for Acromicric dysplasia; Ectopia lentis 1, isolated, autosomal dominant; Marfan syndrome; Stiff skin syndrome; MASS syndrome; Weill-Marchesani syndrome 2, dominant; Geleophysic dysplasia 2; Progeroid and marfanoid aspect-lipodystrophy syndrome. Last evaluated: 2021-07-05. Review status: criteria provided, single submitter. Criteria: ACMG Guidelines, 2015. Collection method: clinical testing. Allele origin: unknown.

Center for Medical Genetics Ghent, University of Ghent
Classification: Uncertain significance for Marfan syndrome. Last evaluated: 2017-11-07. Review status: no assertion criteria provided. Collection method: clinical testing. Allele origin: germline. Affected: yes. Not counted in ClinVar's aggregate classification.

Literature cited by the submitters: PubMed 17576681 (cited by Labcorp Genetics (formerly Invitae), Labcorp); PubMed 9536098 (cited by Labcorp Genetics (formerly Invitae), Labcorp).